The following is an entry in ClinVar:

ClinVar aggregate classification (germline): Conflicting classifications of pathogenicity. Review status: criteria provided, conflicting classifications (1 of 4 stars). 21 submissions from 21 submitters: Uncertain significance (1); Benign (5); Likely benign (11). 4 of the submissions do not count toward it. Last evaluated 2026-01-25.

Conditions:
MSH6-related disorder. Also called: MSH6-related condition; MSH6-Related disorders.
Hereditary nonpolyposis colorectal neoplasms. Identifiers: MedGen C0009405, MeSH D003123.
Breast and/or ovarian cancer. Identifiers: MedGen CN221562.
Hereditary cancer-predisposing syndrome. Also called: Tumor predisposition; Neoplastic Syndromes, Hereditary; Hereditary Cancer Syndrome; Hereditary neoplastic syndrome. Identifiers: Orphanet 140162, MedGen C0027672, MeSH D009386, MONDO:0015356.
Lynch syndrome. Identifiers: Orphanet 144, MedGen C4552100, MONDO:0005835. Disease mechanism: loss of function.
Lynch syndrome 5 (LYNCH5). Also called: Hereditary non-polyposis colorectal cancer, type 5; Colorectal cancer, hereditary nonpolyposis, type 5. Identifiers: Orphanet 144, MedGen C1833477, MONDO:0013710, OMIM 614350. Disease mechanism: loss of function.

Allele frequency attached by ClinVar (database versions not stated): TOPMed 0.00007.
gnomAD v4.1: 118 of 1,613,914 alleles (0.0073%); highest among the groups gnomAD compares: South Asian, 0.0099%; no homozygotes.

Submissions (21):

Labcorp Genetics (formerly Invitae), Labcorp
Classification: Benign for Hereditary nonpolyposis colorectal neoplasms. Last evaluated: 2026-01-25. Review status: criteria provided, single submitter. Criteria: Invitae Variant Classification Sherloc (09022015). Collection method: clinical testing. Allele origin: germline.

Center for Genomic Medicine, Rigshospitalet, Copenhagen University Hospital
Classification: Likely benign. Last evaluated: 2025-03-04. Review status: criteria provided, single submitter. Criteria: ACMG Guidelines, 2015. Collection method: clinical testing. Allele origin: germline.

Blueprint Genetics
Classification: Likely benign. Last evaluated: 2024-09-25. Review status: criteria provided, single submitter. Criteria: ACMG Guidelines, 2015. Collection method: clinical testing. Allele origin: germline.

CeGaT Center for Human Genetics Tuebingen
Classification: Likely benign. Last evaluated: 2024-09-01. Review status: criteria provided, single submitter. Criteria: CeGaT Center For Human Genetics Tuebingen Variant Classification Criteria Version 2. Collection method: clinical testing. Allele origin: germline. Affected: yes. Observed: 4 variant alleles.
Comment: MSH6: BP4, BP7

ARUP Laboratories, Molecular Genetics and Genomics, ARUP Laboratories
Classification: Likely benign. Last evaluated: 2024-06-06. Review status: criteria provided, single submitter. Criteria: ARUP Molecular Germline Variant Investigation Process 2024. Collection method: clinical testing. Allele origin: germline.

All of Us Research Program, National Institutes of Health
Classification: Likely benign for Lynch syndrome. Last evaluated: 2024-02-05. Review status: criteria provided, single submitter. Criteria: ACMG Guidelines, 2015. Collection method: clinical testing. Allele origin: germline. Inheritance: Autosomal dominant inheritance. Observed: 20 variant alleles, 20 heterozygotes.
Comment: This study involves interpretation of variants in research participants for the purpose of population health screening. Participant phenotype was not available at the time of variant classification. Additional details can be found in publication PMID: 35346344, PMCID: PMC8962531

Department of Pathology and Laboratory Medicine, Sinai Health System
Classification: Likely benign for Lynch syndrome 5. Last evaluated: 2023-10-27. Review status: criteria provided, single submitter. Criteria: ACMG Guidelines, 2015. Collection method: clinical testing. Allele origin: germline. Affected: yes.

Myriad Genetics, Inc.
Classification: Benign for Lynch syndrome 5. Last evaluated: 2023-03-28. Review status: criteria provided, single submitter. Criteria: Myriad Autosomal Dominant, Autosomal Recessive and X-Linked Classification Criteria (2023). Collection method: clinical testing. Allele origin: unknown.
Comment: This variant is considered benign. This variant is a silent/synonymous amino acid change and it is not expected to impact splicing.

Quest Diagnostics Nichols Institute San Juan Capistrano
Classification: Benign. Last evaluated: 2023-01-31. Review status: criteria provided, single submitter. Criteria: Quest Diagnostics criteria. Collection method: clinical testing. Allele origin: unknown.

Genetic Services Laboratory, University of Chicago
Classification: Likely benign. Last evaluated: 2021-03-19. Review status: criteria provided, single submitter. Criteria: ACMG Guidelines, 2015. Collection method: clinical testing. Allele origin: germline. Affected: no.

CHEO Genetics Diagnostic Laboratory, Children's Hospital of Eastern Ontario
Classification: Likely benign for Breast and/or ovarian cancer. Last evaluated: 2020-09-23. Review status: criteria provided, single submitter. Criteria: ACMG Guidelines, 2015. Collection method: clinical testing. Allele origin: germline.

Sema4
Classification: Likely benign for Hereditary cancer-predisposing syndrome. Last evaluated: 2020-09-09. Review status: criteria provided, single submitter. Criteria: Sema4 Curation Guidelines. Collection method: curation. Allele origin: germline.

Women's Health and Genetics/Laboratory Corporation of America, LabCorp
Classification: Benign. Last evaluated: 2018-08-13. Review status: criteria provided, single submitter. Criteria: LabCorp Variant Classification Summary - May 2015. Collection method: clinical testing. Allele origin: germline.
Comment: Variant summary: MSH6 c.3246G>A alters a non-conserved nucleotide resulting in a synonymous change. 5/5 computational tools predict no significant impact on normal splicing. However, these predictions have yet to be confirmed by functional studies. The observed variant frequency within Ashkenazi Jewish control individuals in the gnomAD database is approximately 8-fold of the estimated maximal expected allele frequency for a pathogenic variant in MSH6 causing Lynch Syndrome phenotype (0.00014), strongly suggesting that the variant is a benign polymorphism found primarily in populations of Ashkenazi Jewish origin. To our knowledge, no occurrence of c.3246G>A in individuals affected with Lynch Syndrome and no experimental evidence demonstrating its impact on protein function have been reported. Co-occurrences with other pathogenic variant(s) have been reported (CHEK2 c.1263delT , p.Ser422fsX15), providing supporting evidence for a benign role. Three clinical diagnostic laboratories have submitted clinical-significance assessments for this variant to ClinVar after 2014 without evidence for independent evaluation. All laboratories classified the variant as benign/likely benign. Based on the evidence outlined above, the variant was classified as benign.

Color Diagnostics, LLC DBA Color Health
Classification: Likely benign for Hereditary cancer-predisposing syndrome. Last evaluated: 2015-04-08. Review status: criteria provided, single submitter. Criteria: ACMG Guidelines, 2015. Collection method: clinical testing. Allele origin: germline.

GeneDx
Classification: Benign. Last evaluated: 2015-03-03. Review status: criteria provided, single submitter. Criteria: GeneDx Variant Classification Process June 2021. Collection method: clinical testing. Allele origin: germline. Affected: yes.

Ambry Genetics
Classification: Likely benign for Hereditary cancer-predisposing syndrome. Last evaluated: 2014-12-28. Review status: criteria provided, single submitter. Criteria: Ambry Variant Classification Scheme 2023. Collection method: clinical testing. Allele origin: germline.

Eurofins Ntd Llc (ga)
Classification: Uncertain significance. Last evaluated: 2014-10-30. Review status: criteria provided, single submitter. Criteria: EGL Classification Definitions 2015. Collection method: clinical testing. Allele origin: germline. Observed: 1 variant allele, 1 heterozygote.

PreventionGenetics, part of Exact Sciences
Classification: Likely benign for MSH6-related condition. Last evaluated: 2019-03-20. Review status: no assertion criteria provided. Collection method: clinical testing. Allele origin: germline. Not counted in ClinVar's aggregate classification.
Comment: This variant is classified as likely benign based on ACMG/AMP sequence variant interpretation guidelines (Richards et al. 2015 PMID: 25741868, with internal and published modifications).

True Health Diagnostics
Classification: Likely benign for Hereditary cancer-predisposing syndrome. Last evaluated: 2018-07-13. Review status: no assertion criteria provided. Collection method: clinical testing. Allele origin: germline. Not counted in ClinVar's aggregate classification.

Counsyl
Classification: Likely benign for Lynch syndrome 5. Last evaluated: 2016-10-07. Review status: no assertion criteria provided. Collection method: clinical testing. Allele origin: unknown. Not counted in ClinVar's aggregate classification.

Mayo Clinic Laboratories, Mayo Clinic
Classification: Uncertain significance. Review status: no assertion criteria provided. Collection method: research. Allele origin: unknown. Observed: 1 variant allele. Not counted in ClinVar's aggregate classification.

Literature cited by the submitters: PubMed 28873162 (cited by Quest Diagnostics Nichols Institute San Juan Capistrano); PubMed 31386297 (cited by Quest Diagnostics Nichols Institute San Juan Capistrano); PubMed 17117178 (cited by Quest Diagnostics Nichols Institute San Juan Capistrano); PubMed 21239990 (cited by Quest Diagnostics Nichols Institute San Juan Capistrano); PubMed 19250818 (cited by Quest Diagnostics Nichols Institute San Juan Capistrano); PubMed 16203774 (cited by Quest Diagnostics Nichols Institute San Juan Capistrano); PubMed 12537658 (cited by Counsyl).

NM_000179.3(MSH6):c.3246G>A (p.Pro1082=)

Gene: MSH6 (mutS homolog 6; plus strand). Cytogenetic location: 2p16.3.
Variant type: single nucleotide variant.
Coding change: c.3246G>A on transcript NM_000179.3 (MANE Select); coding-DNA position 3246, G replaced by A.
Protein change: p.Pro1082=; no amino-acid change (proline 1082 retained).
Molecular consequence: synonymous variant.
Genome position (GRCh38, 1-based): chr2:47,803,493, G>A. VCF-style: chr2-47803493-G-A. GRCh37 (hg19) VCF-style: chr2-48030632-G-A.
Other names: c.2856G>A, p.Pro952= (NM_001281492.2); c.2340G>A, p.Pro780= (NM_001281493.2, NM_001281494.2).
Identifiers: ClinVar variation 184530 (VCV000184530.67), dbSNP rs3136351, ClinGen allele CA012143.